The following is an entry in ClinVar:

ClinVar aggregate classification (germline): Uncertain significance (1 of 4 stars; one submission).

Allele frequency attached by ClinVar (database versions not stated): ExAC 0.00001; gnomAD 0.00002; gnomAD exomes 0.00002.
gnomAD v4.1: 37 of 1,613,110 alleles (0.0023%); highest among the groups gnomAD compares: Non-Finnish European, 0.0028%; no homozygotes.

Submission:

Labcorp Genetics (formerly Invitae), Labcorp
Classification: Uncertain significance. Last evaluated: 2021-05-17. Review status: criteria provided, single submitter. Criteria: Invitae Variant Classification Sherloc (09022015). Collection method: clinical testing. Allele origin: germline.
Comment: Algorithms developed to predict the effect of sequence changes on RNA splicing suggest that this variant may create or strengthen a splice site, but this prediction has not been confirmed by published transcriptional studies. This variant has not been reported in the literature in individuals with UNC45B-related conditions. This variant is present in population databases (rs754625788, ExAC 0.002%). This sequence change falls in intron 12 of the UNC45B gene. It does not directly change the encoded amino acid sequence of the UNC45B protein. In summary, the available evidence is currently insufficient to determine the role of this variant in disease. Therefore, it has been classified as a Variant of Uncertain Significance.

NM_001267052.2(UNC45B):c.1830+12C>T

Gene: UNC45B (unc-45 myosin chaperone B; plus strand). Cytogenetic location: 17q12.
Variant type: single nucleotide variant.
Coding change: c.1830+12C>T on transcript NM_001267052.2 (MANE Select); 12 bases into the intron after coding-DNA position 1830, C replaced by T.
Molecular consequence: intron variant.
Genome position (GRCh38, 1-based): chr17:35,171,474, C>T. VCF-style: chr17-35171474-C-T. GRCh37 (hg19) VCF-style: chr17-33498493-C-T.
Other names: c.1830+12C>T (NM_001033576.2); c.1836+12C>T (NM_173167.3); c.1593+12C>T (NM_001308281.1).
Identifiers: ClinVar variation 1516314 (VCV001516314.8), dbSNP rs754625788, ClinGen allele CA8501287.